The following is an entry in ClinVar:

ClinVar aggregate classification (germline): Pathogenic (1 of 4 stars; one submission).

Submission:

Labcorp Genetics (formerly Invitae), Labcorp
Classification: Pathogenic. Last evaluated: 2021-10-10. Review status: criteria provided, single submitter. Criteria: Invitae Variant Classification Sherloc (09022015). Collection method: clinical testing. Allele origin: germline.
Comment: For these reasons, this variant has been classified as Pathogenic. Variants that disrupt the consensus splice site are a relatively common cause of aberrant splicing (PMID: 17576681, 9536098). Studies have shown that this missense change results in skipping of exon 50 and introduces a new termination codon (PMID: 8940267). However the mRNA is not expected to undergo nonsense-mediated decay. Algorithms developed to predict the effect of missense changes on protein structure and function are either unavailable or do not agree on the potential impact of this missense change (SIFT: "Tolerated"; PolyPhen-2: "Probably Damaging"; Align-GVGD: "Class C0"). ClinVar contains an entry for this variant (Variation ID: 24782). This variant is also known as 5178G>A. This missense change has been observed in individuals with clinical features of Alport syndrome (PMID: 8940267, 22921432; Invitae). This variant is not present in population databases (ExAC no frequency). This sequence change replaces serine with asparagine at codon 1659 of the COL4A5 protein (p.Ser1659Asn). The serine residue is highly conserved and there is a small physicochemical difference between serine and asparagine. RNA analysis indicates that this missense change induces altered splicing and likely disrupts the C-terminus of the protein.

Literature cited by the submitters: PubMed 17576681; PubMed 9536098; PubMed 8940267; PubMed 22921432.

NM_033380.3(COL4A5):c.4994G>A (p.Ser1665Asn)

Gene: COL4A5 (collagen type IV alpha 5 chain; plus strand). Cytogenetic location: Xq22.3.
Variant type: single nucleotide variant.
Coding change: c.4994G>A on transcript NM_033380.3 (MANE Select); coding-DNA position 4994, G replaced by A.
Protein change: p.Ser1665Asn; replaces serine 1665 with asparagine.
Molecular consequence: missense variant.
Genome position (GRCh38, 1-based): chrX:108,695,439, G>A. VCF-style: chrX-108695439-G-A. GRCh37 (hg19) VCF-style: chrX-107938669-G-A.
Other names: c.4976G>A, p.Ser1659Asn (NM_000495.5); short protein forms S1659N, S1665N.
Identifiers: ClinVar variation 1443814 (VCV001443814.5), dbSNP rs104886305, ClinGen allele CA259138.